The following is an entry in ClinVar:

NM_022356.4(P3H1):c.628C>T (p.Arg210Ter)

Gene: P3H1 (prolyl 3-hydroxylase 1; minus strand). Cytogenetic location: 1p34.2.
Variant type: single nucleotide variant.
Coding change: c.628C>T on transcript NM_022356.4 (MANE Select); coding-DNA position 628, C replaced by T.
Protein change: p.Arg210Ter; replaces arginine 210 with a stop codon.
Molecular consequence: nonsense.
Genome position (GRCh38, 1-based): chr1:42,759,381, G>A on the plus strand (C>T on the coding strand, the complement: P3H1 is on the minus strand). VCF-style: chr1-42759381-G-A. GRCh37 (hg19) VCF-style: chr1-43225052-G-A.
Other names: c.628C>T, p.Arg210Ter (NM_001146289.2, NM_001243246.2); short protein forms R210*.
Identifiers: ClinVar variation 2731873 (VCV002731873.3), dbSNP rs137853950, ClinGen allele CA802108.
Genomic context (GRCh38, chr1:42,759,381, plus strand): 5'-CCTCTAGGTGGGGCACAGCTTCCTGTGGCTGTTCCTCTGAGTAGAGTCGCACTCCCAGTC[G>A]AAATTCTTGCTACTGGGAAGAAGGAGCACTCAAATGCAGGCCACAGAGGAGGAACCCTCT-3'

ClinVar aggregate classification (germline): Pathogenic (1 of 4 stars; one submission).

Conditions:
Osteogenesis imperfecta type 8 (OI8). Identifiers: MedGen C1970458, MONDO:0012581, OMIM 610915.

Allele frequency attached by ClinVar (database versions not stated): TOPMed below 0.00001; gnomAD 0.00001; gnomAD exomes 0.00001; ExAC 0.00002.
gnomAD v4.1: 11 of 1,613,974 alleles (0.00068%); highest among the groups gnomAD compares: East Asian, 0.0022%; no homozygotes.

Submission:

Labcorp Genetics (formerly Invitae), Labcorp
Classification: Pathogenic for Osteogenesis imperfecta type 8. Last evaluated: 2025-04-13. Review status: criteria provided, single submitter. Criteria: Invitae Variant Classification Sherloc (09022015). Collection method: clinical testing. Allele origin: germline.
Comment: This sequence change creates a premature translational stop signal (p.Arg210*) in the P3H1 gene. It is expected to result in an absent or disrupted protein product. Loss-of-function variants in P3H1 are known to be pathogenic (PMID: 17277775, 18566967, 19088120, 22281939). This variant is present in population databases (rs137853950, gnomAD 0.02%). This premature translational stop signal has been observed in individual(s) with osteogenesis imperfecta (PMID: 19088120, 33470886). ClinVar contains an entry for this variant (Variation ID: 2731873). For these reasons, this variant has been classified as Pathogenic.

Literature cited by the submitters: PubMed 17277775; PubMed 18566967; PubMed 19088120; PubMed 22281939; PubMed 33470886.